The following is an entry in ClinVar:

NM_014602.3(PIK3R4):c.1413C>T (p.Ala471=)

Gene: PIK3R4 (phosphoinositide-3-kinase regulatory subunit 4; minus strand). Cytogenetic location: 3q22.1.
Variant type: single nucleotide variant.
Coding change: c.1413C>T on transcript NM_014602.3 (MANE Select); coding-DNA position 1413, C replaced by T.
Protein change: p.Ala471=; no amino-acid change (alanine 471 retained).
Molecular consequence: synonymous variant.
Genome position (GRCh38, 1-based): chr3:130,733,585, G>A on the plus strand (C>T on the coding strand, the complement: PIK3R4 is on the minus strand). VCF-style: chr3-130733585-G-A. GRCh37 (hg19) VCF-style: chr3-130452429-G-A.
Identifiers: ClinVar variation 2654146 (VCV002654146.24), dbSNP rs200049501, ClinGen allele CA2614420.
Genomic context (GRCh38, chr3:130,733,585, plus strand): 5'-ATATTTGGACAATAAACTCTTACCAGCATAGGCTAGTCTAACGATAGTAGCATCATCTTG[G>A]GCTAAGTGGGCTATGCCTGGCAGAATGTATTCCGGATAAATATTGATATCATTACGAGGA-3'
Protein context (NP_055417.1, residues 461-481): EYILPGIAHL[Ala471=]QDDATIVRLA

ClinVar aggregate classification (germline): Likely benign (1 of 4 stars; one submission).

Allele frequency attached by ClinVar (database versions not stated): gnomAD 0.00001; TOPMed 0.00001; gnomAD exomes below 0.00001; ExAC 0.00001.
gnomAD v4.1: 4 of 1,613,538 alleles (0.00025%); highest among the groups gnomAD compares: East Asian, 0.0022%; no homozygotes.

Submission:

CeGaT Center for Human Genetics Tuebingen
Classification: Likely benign. Last evaluated: 2023-01-01. Review status: criteria provided, single submitter. Criteria: CeGaT Center For Human Genetics Tuebingen Variant Classification Criteria Version 2. Collection method: clinical testing. Allele origin: germline. Affected: yes. Observed: 1 variant allele.
Comment: PIK3R4: BP4